The following is an entry in ClinVar:

NM_001370259.2(MEN1):c.1503C>G (p.Asp501Glu)

Gene: MEN1 (menin 1; minus strand). Cytogenetic location: 11q13.1.
Variant type: single nucleotide variant.
Coding change: c.1503C>G on transcript NM_001370259.2 (MANE Select); coding-DNA position 1503, C replaced by G.
Protein change: p.Asp501Glu; replaces aspartic acid 501 with glutamic acid.
Molecular consequence: missense variant.
Genome position (GRCh38, 1-based): chr11:64,804,664, G>C on the plus strand (C>G on the coding strand, the complement: MEN1 is on the minus strand). VCF-style: chr11-64804664-G-C. GRCh37 (hg19) VCF-style: chr11-64572136-G-C.
Other names: c.1518C>G, p.Asp506Glu (NM_000244.4, NM_130800.3, NM_130801.3 and 3 more transcripts); c.1629C>G, p.Asp543Glu (NM_001370251.2); c.1503C>G, p.Asp501Glu (NM_001370260.2, NM_001370261.2, NM_130799.3); c.1398C>G, p.Asp466Glu (NM_001370262.2, NM_001370263.2); short protein forms D466E, D501E, D506E, D543E.
Identifiers: ClinVar variation 1053569 (VCV001053569.9), dbSNP rs2136087305, ClinGen allele CA381178799.
Genomic context (GRCh38, chr11:64,804,664, plus strand): 5'-AGTCCCAGGAGGCTTCCGGGGGGGTCCTGACACTGCACCCTGGCCGGTGCCCAGGCCCTT[G>C]TCCAGTGCTGGCTTCTTGGGCGGCGGGGGCTCCTCTGGCTTGGACTCCCGCCGTGGGCCC-3'
Protein context (NP_001357188.2, residues 491-511): EPPPPKKPAL[Asp501Glu]KGLGTGQGAV

ClinVar aggregate classification (germline): Uncertain significance (1 of 4 stars; one submission).

Conditions:
Multiple endocrine neoplasia, type 1 (MEN1). Also called: MEN I; WERMER SYNDROME; Endocrine adenomatosis multiple; MEN 1; MEA I. Identifiers: Orphanet 652, MedGen C0025267, MeSH D018761, MONDO:0007540, OMIM 131100.

Submission:

Labcorp Genetics (formerly Invitae), Labcorp
Classification: Uncertain significance for Multiple endocrine neoplasia, type 1. Last evaluated: 2022-09-07. Review status: criteria provided, single submitter. Criteria: Invitae Variant Classification Sherloc (09022015). Collection method: clinical testing. Allele origin: germline.
Comment: In summary, the available evidence is currently insufficient to determine the role of this variant in disease. Therefore, it has been classified as a Variant of Uncertain Significance. Advanced modeling of protein sequence and biophysical properties (such as structural, functional, and spatial information, amino acid conservation, physicochemical variation, residue mobility, and thermodynamic stability) performed at Invitae indicates that this missense variant is not expected to disrupt MEN1 protein function. ClinVar contains an entry for this variant (Variation ID: 1053569). This variant has not been reported in the literature in individuals affected with MEN1-related conditions. This variant is not present in population databases (gnomAD no frequency). This sequence change replaces aspartic acid, which is acidic and polar, with glutamic acid, which is acidic and polar, at codon 501 of the MEN1 protein (p.Asp501Glu).